The following is an entry in ClinVar:

ClinVar aggregate classification (germline): Uncertain significance. Review status: criteria provided, multiple submitters, no conflicts (2 of 4 stars). 2 submissions from 2 submitters: Uncertain significance (2). Last evaluated 2025-10-16.

Conditions:
Thromboembolism. Identifiers: MedGen C0040038, HP:0001907.
Thrombophilia due to protein S deficiency, autosomal recessive (THPH6). Identifiers: Orphanet 743, MedGen C3281092, MONDO:0013791, OMIM 614514. Disease mechanism: loss of function.

Allele frequency attached by ClinVar (database versions not stated): gnomAD exomes 0.00003; ExAC 0.00002; TOPMed 0.00004; gnomAD 0.00003.
gnomAD v4.1: 43 of 1,613,664 alleles (0.0027%); highest among the groups gnomAD compares: Non-Finnish European, 0.0036%; no homozygotes.

Submissions (2):

Labcorp Genetics (formerly Invitae), Labcorp
Classification: Uncertain significance for Thrombophilia due to protein S deficiency, autosomal recessive. Last evaluated: 2025-10-16. Review status: criteria provided, single submitter. Criteria: Invitae Variant Classification Sherloc (09022015). Collection method: clinical testing. Allele origin: germline.
Comment: This sequence change replaces asparagine, which is neutral and polar, with serine, which is neutral and polar, at codon 43 of the PROS1 protein (p.Asn43Ser). This variant is present in population databases (rs748858986, gnomAD 0.007%). This variant has not been reported in the literature in individuals affected with PROS1-related conditions. ClinVar contains an entry for this variant (Variation ID: 627219). Invitae Evidence Modeling of protein sequence and biophysical properties (such as structural, functional, and spatial information, amino acid conservation, physicochemical variation, residue mobility, and thermodynamic stability) indicates that this missense variant is expected to disrupt PROS1 protein function with a positive predictive value of 80%. In summary, the available evidence is currently insufficient to determine the role of this variant in disease. Therefore, it has been classified as a Variant of Uncertain Significance.

NIHR Bioresource Rare Diseases, University of Cambridge
Classification: Uncertain significance for Thromboembolism. Last evaluated: 2019-02-01. Review status: criteria provided, single submitter. Criteria: ACMG Guidelines, 2015. Collection method: research. Allele origin: unknown. Affected: yes. Observed: 1 heterozygote. Study: ThromboGenomics.

Literature cited by the submitters: PubMed 31064749 (cited by NIHR Bioresource Rare Diseases, University of Cambridge).

NM_000313.4(PROS1):c.128A>G (p.Asn43Ser)

Gene: PROS1 (protein S; minus strand). Cytogenetic location: 3q11.1.
Variant type: single nucleotide variant.
Coding change: c.128A>G on transcript NM_000313.4 (MANE Select); coding-DNA position 128, A replaced by G.
Protein change: p.Asn43Ser; replaces asparagine 43 with serine.
Molecular consequence: missense variant.
Genome position (GRCh38, 1-based): chr3:93,927,356, T>C on the plus strand (A>G on the coding strand, the complement: PROS1 is on the minus strand). VCF-style: chr3-93927356-T-C. GRCh37 (hg19) VCF-style: chr3-93646200-T-C.
Other names: c.224A>G, p.Asn75Ser (NM_001314077.2); short protein forms N43S, N75S.
Identifiers: ClinVar variation 627219 (VCV000627219.4), dbSNP rs748858986, ClinGen allele CA2503586.